The following is an entry in ClinVar:

NM_001122630.2(CDKN1C):c.487GCGGTC[3] (p.163AV[3])

Gene: CDKN1C (cyclin dependent kinase inhibitor 1C; minus strand). Cytogenetic location: 11p15.4.
Variant type: Microsatellite.
Coding change: c.487GCGGTC[3] on transcript NM_001122630.2 (MANE Select); three copies in a row of the 6-base unit GCGGTC starting at c.487; the reference has two copies in a row; one copy, 6 bases duplicated.
Protein change: p.163AV[3].
Molecular consequence: inframe insertion. On other transcripts: intron variant (1).
Genome position (GRCh38, 1-based): chr11:2,884,959-2,884,964, GACCGC duplicated on the plus strand (GCGGTC on the coding strand, the reverse complement: CDKN1C is on the minus strand); duplicating any 6 consecutive bases within chr11:2,884,959-2,884,975 gives the same sequence; the position shown is the placement nearest the transcript's 3' end. VCF-style (leftmost placement, unchanged base first): chr11-2884958-G-GGACCGC. GRCh37 (hg19) VCF-style: chr11-2906188-G-GGACCGC.
Other names: c.526_531dup (NM_000076.2); c.520GCGGTC[3], p.174AV[3] (NM_000076.2, NM_001362474.2); c.487GCGGTC[3], p.163AV[3] (NM_001122631.2); c.255+232GCGGTC[3] (NM_001362475.2).
Identifiers: ClinVar variation 454009 (VCV000454009.13), dbSNP rs889984547, ClinGen allele CA597432654.
Genomic context (GRCh38, chr11:2,884,958, plus strand): 5'-GGGCCGCGACTGGAGCCGGGGCCGGAGCCGGAGCCGGAGCCGGGGCCGGGGCCGGGGCCA[G>GGACCGC]GACCGCGACCGCGACCGGAGCCGCGACCGGAGCCGCGACCGGAGCCGGAGCCGGGGCCGG-3'

ClinVar aggregate classification (germline): Conflicting classifications of pathogenicity. Review status: criteria provided, conflicting classifications (1 of 4 stars). 2 submissions from 2 submitters: Uncertain significance (1); Likely benign (1). Last evaluated 2025-12-19.

Conditions:
Beckwith-Wiedemann syndrome (BWS). Also called: EMG SYNDROME; Exomphalos macroglossia gigantism syndrome. Identifiers: Orphanet 116, MedGen C0004903, MONDO:0007534, OMIM 130650.

Submissions (2):

Labcorp Genetics (formerly Invitae), Labcorp
Classification: Likely benign for Beckwith-Wiedemann syndrome. Last evaluated: 2025-12-19. Review status: criteria provided, single submitter. Criteria: Invitae Variant Classification Sherloc (09022015). Collection method: clinical testing. Allele origin: germline.

Sema4
Classification: Uncertain significance for Beckwith-Wiedemann syndrome. Last evaluated: 2021-06-09. Review status: criteria provided, single submitter. Criteria: Sema4 Curation Guidelines. Collection method: curation. Allele origin: germline.
Comment: The CDKN1C c.526_531dup (p.A176_V177dup) variant has not been reported in the literature to our knowledge. It was observed in 1/13748 chromosomes in the Non-Finnish European subpopulation in the large and broad cohorts of the Genome Aggregation Database (PMID: 32461654). The variant has not been reported in ClinVar. The evidence is insufficient to meet ACMG/AMP criteria for classifying the variant as benign or pathogenic. Thus, the clinical significance of this variant is currently uncertain.